The following is an entry in ClinVar:

NM_182931.3(KMT2E):c.5420C>G (p.Thr1807Ser)

Gene: KMT2E (lysine methyltransferase 2E (inactive); plus strand). Cytogenetic location: 7q22.3.
Variant type: single nucleotide variant.
Coding change: c.5420C>G on transcript NM_182931.3 (MANE Select); coding-DNA position 5420, C replaced by G.
Protein change: p.Thr1807Ser; replaces threonine 1807 with serine.
Molecular consequence: missense variant.
Genome position (GRCh38, 1-based): chr7:105,113,176, C>G. VCF-style: chr7-105113176-C-G. GRCh37 (hg19) VCF-style: chr7-104753623-C-G.
Other names: c.5294C>G, p.Thr1765Ser (NM_001410908.1); c.5420C>G, p.Thr1807Ser (NM_018682.4); short protein forms T1765S, T1807S.
Identifiers: ClinVar variation 4807930 (VCV004807930.1).
Genomic context (GRCh38, chr7:105,113,176, plus strand): 5'-CATTACCTGTCACAGGTCCTCATCTCCAGCCCCAAGGACCAAACAGTATTCCAACACCTA[C>G]TGCTTCAGGGTTCTGTCCTCATCCTGGCTCTGTGGCCCTGCCACATGGGGTTCAAGGACC-3'
Protein context (NP_891847.1, residues 1797-1817): PQGPNSIPTP[Thr1807Ser]ASGFCPHPGS

ClinVar aggregate classification (germline): Uncertain significance (1 of 4 stars; one submission).

gnomAD v4.1: 1 of 1,614,092 alleles (0.000062%); highest among the groups gnomAD compares: Non-Finnish European, 0.000085%; no homozygotes.

Submission:

Labcorp Genetics (formerly Invitae), Labcorp
Classification: Uncertain significance. Last evaluated: 2025-06-08. Review status: criteria provided, single submitter. Criteria: Invitae Variant Classification Sherloc (09022015). Collection method: clinical testing. Allele origin: germline.
Comment: This sequence change replaces threonine, which is neutral and polar, with serine, which is neutral and polar, at codon 1807 of the KMT2E protein (p.Thr1807Ser). This variant is not present in population databases (gnomAD no frequency). This variant has not been reported in the literature in individuals affected with KMT2E-related conditions. An algorithm developed to predict the effect of missense changes on protein structure and function outputs the following: PolyPhen-2: "Benign". The serine amino acid residue is found in multiple mammalian species, which suggests that this missense change does not adversely affect protein function. In summary, the available evidence is currently insufficient to determine the role of this variant in disease. Therefore, it has been classified as a Variant of Uncertain Significance.